The following is an entry in ClinVar:

NM_005866.4(SIGMAR1):c.575G>A (p.Ser192Asn)

Gene: SIGMAR1 (sigma receptor chaperone 1; minus strand). Cytogenetic location: 9p13.3.
Variant type: single nucleotide variant.
Coding change: c.575G>A on transcript NM_005866.4 (MANE Select); coding-DNA position 575, G replaced by A.
Protein change: p.Ser192Asn; replaces serine 192 with asparagine.
Molecular consequence: missense variant. On other transcripts: 3 prime UTR variant (2), non-coding transcript variant (1), intron variant (1).
Genome position (GRCh38, 1-based): chr9:34,635,729, C>T on the plus strand (G>A on the coding strand, the complement: SIGMAR1 is on the minus strand). VCF-style: chr9-34635729-C-T. GRCh37 (hg19) VCF-style: chr9-34635726-C-T.
Other names: c.275G>A, p.Ser92Asn (NM_001282206.2); c.515G>A, p.Ser172Asn (NM_001282207.2); c.*118G>A (NM_001282208.2); c.*102G>A (NM_001282209.2); c.482G>A, p.Ser161Asn (NM_147157.3); c.446-89G>A (NM_001282205.2); c.575G>A (NM_005866.2); short protein forms S161N, S172N, S192N, S92N.
Identifiers: ClinVar variation 1358395 (VCV001358395.9), dbSNP rs892812356, ClinGen allele CA192661136.
Genomic context (GRCh38, chr9:34,635,729, plus strand): 5'-AGCCGGAGGCCCCGAGCATAGGAGCGAAGAGTATAGAAGAGGGTGAGGAAGTCCTGGGTG[C>T]TGAAGACAGTGTCGGCCAGCGCGAAGGCCAGGGTGGATGGGATGACGCCCCGGCCGTACT-3'
Protein context (NP_005857.1, residues 182-202): LAFALADTVF[Ser192Asn]TQDFLTLFYT

ClinVar aggregate classification (germline): Uncertain significance. Review status: criteria provided, multiple submitters, no conflicts (2 of 4 stars). 2 submissions from 2 submitters: Uncertain significance (2). Last evaluated 2025-09-12.

Conditions:
Inborn genetic diseases. Identifiers: MedGen C0950123, MeSH D030342.
Autosomal recessive distal spinal muscular atrophy 2. Also called: NEUROPATHY, DISTAL HEREDITARY MOTOR, AUTOSOMAL RECESSIVE 2; NEURONOPATHY, DISTAL HEREDITARY MOTOR, JERASH TYPE; NEUROPATHY, DISTAL HEREDITARY MOTOR, JERASH TYPE; SPINAL MUSCULAR ATROPHY, JERASH TYPE; Hereditary motor neuropathy, Jerash type; Motor neuropathy, distal, Jerash type. Identifiers: Orphanet 139552, MedGen C1854023, MONDO:0011585, OMIM 605726.
Amyotrophic lateral sclerosis type 16. Also called: AMYOTROPHIC LATERAL SCLEROSIS 16, JUVENILE. Identifiers: Orphanet 300605, MedGen C3280587, MONDO:0013715, OMIM 614373.

Allele frequency attached by ClinVar (database versions not stated): gnomAD 0.00001; TOPMed 0.00003.
gnomAD v4.1: 1 of 1,614,120 alleles (0.000062%); highest among the groups gnomAD compares: Admixed American, 0.0017%; no homozygotes.

Submissions (2):

Ambry Genetics
Classification: Uncertain significance for Inborn genetic diseases. Last evaluated: 2025-09-12. Review status: criteria provided, single submitter. Criteria: Ambry Variant Classification Scheme 2023. Collection method: clinical testing. Allele origin: germline.

Labcorp Genetics (formerly Invitae), Labcorp
Classification: Uncertain significance for Autosomal recessive distal spinal muscular atrophy 2; Amyotrophic lateral sclerosis type 16. Last evaluated: 2021-04-09. Review status: criteria provided, single submitter. Criteria: Invitae Variant Classification Sherloc (09022015). Collection method: clinical testing. Allele origin: germline.
Comment: In summary, the available evidence is currently insufficient to determine the role of this variant in disease. Therefore, it has been classified as a Variant of Uncertain Significance. Algorithms developed to predict the effect of missense changes on protein structure and function are either unavailable or do not agree on the potential impact of this missense change (SIFT: "Deleterious"; PolyPhen-2: "Probably Damaging"; Align-GVGD: "Class C0"). This variant has not been reported in the literature in individuals with SIGMAR1-related conditions. This variant is not present in population databases (ExAC no frequency). This sequence change replaces serine with asparagine at codon 192 of the SIGMAR1 protein (p.Ser192Asn). The serine residue is highly conserved and there is a small physicochemical difference between serine and asparagine.